The following is an entry in ClinVar:

ClinVar aggregate classification (germline): Pathogenic. Review status: criteria provided, multiple submitters, no conflicts (2 of 4 stars). 7 submissions from 7 submitters: Pathogenic (6). 1 of the submissions does not count toward it. Last evaluated 2025-06-23.

Conditions:
CFTR-related disorder (CFTR-RD). Also called: CFTR-related disorders; CFTR-related condition. Identifiers: MedGen C5924204, MONDO:7770004.
Bronchiectasis with or without elevated sweat chloride 1 (BESC1). Also called: Cystic Fibrosis-Like Syndrome. Identifiers: Orphanet 60033, MedGen C2749757, MONDO:0008887, OMIM 211400.
Hereditary pancreatitis (PCTT). Also called: PRSS1-Related Hereditary Pancreatitis; Hereditary chronic pancreatitis. Identifiers: Orphanet 676, MedGen C0238339, MONDO:0008185, OMIM 167800.
Cystic fibrosis (CF). Also called: MUCOVISCIDOSIS. Identifiers: Orphanet 586, MedGen C0010674, MONDO:0009061, OMIM 219700. Disease mechanism: loss of function.
Congenital bilateral aplasia of vas deferens from CFTR mutation (CBAVD). Identifiers: Orphanet 48, MedGen C0403814, MONDO:0010178, OMIM 277180. Disease mechanism: loss of function.

Submissions (7):

Natera, Inc.
Classification: Pathogenic for CFTR-related disorders. Last evaluated: 2025-06-23. Review status: criteria provided, single submitter. Criteria: Natera Variant Classification Schema (03/2026). Collection method: clinical testing. Allele origin: germline.
Comment: The c.2472delT variant in CFTR is a frameshift variant predicted to shift the reading frame beginning at codon 825 and leads to a stop codon 5 codons downstream. This variant is expected to result in nonsense mediated decay, truncation, or a dysfunctional protein product. This variant is rare in the general population with a frequency below the threshold expected for the associated phenotype(s). This variant has been observed in one or more individuals affected with the associated recessive disease, as either homozygous or compound heterozygous with a second variant (PMID: 7687986). Given the available evidence, this variant is classified as Pathogenic.

GeneDx
Classification: Pathogenic. Last evaluated: 2025-06-13. Review status: criteria provided, single submitter. Criteria: GeneDx Variant Classification Process June 2021. Collection method: clinical testing. Allele origin: germline. Affected: yes.
Comment: Frameshift variant predicted to result in protein truncation or nonsense mediated decay in a gene for which loss of function is a known mechanism of disease; Identified in an individual with cystic fibrosis however clinical and segregation details were not provided (PMID: 17331079); Not observed at significant frequency in large population cohorts (gnomAD); This variant is associated with the following publications: (PMID: 7687986, 35698092, 17331079, 39180390)

Baylor Genetics
Classification: Pathogenic for Bronchiectasis with or without elevated sweat chloride 1. Last evaluated: 2023-02-26. Review status: criteria provided, single submitter. Criteria: ACMG Guidelines, 2015. Collection method: clinical testing. Allele origin: unknown.

Fulgent Genetics
Classification: Pathogenic for Hereditary pancreatitis; Bronchiectasis with or without elevated sweat chloride 1; Cystic fibrosis; Congenital bilateral aplasia of vas deferens from CFTR mutation. Last evaluated: 2022-02-09. Review status: criteria provided, single submitter. Criteria: ACMG Guidelines, 2015. Collection method: clinical testing. Allele origin: unknown.

Labcorp Genetics (formerly Invitae), Labcorp
Classification: Pathogenic for Cystic fibrosis. Last evaluated: 2020-11-14. Review status: criteria provided, single submitter. Criteria: Invitae Variant Classification Sherloc (09022015). Collection method: clinical testing. Allele origin: germline.
Comment: For these reasons, this variant has been classified as Pathogenic. This variant has been observed in individual(s) with cystic fibrosis (PMID: 7687986). In at least one individual the data is consistent with the variant being in trans (on the opposite chromosome) from a pathogenic variant. This variant is also known as CF2603/4delT in the literature. ClinVar contains an entry for this variant (Variation ID: 53494). This variant is not present in population databases (ExAC no frequency). This sequence change creates a premature translational stop signal (p.Asn825Thrfs*5) in the CFTR gene. It is expected to result in an absent or disrupted protein product. Loss-of-function variants in CFTR are known to be pathogenic (PMID: 1695717, 7691345, 9725922).

Ambry Genetics
Classification: Pathogenic for Cystic fibrosis. Last evaluated: 2020-02-14. Review status: criteria provided, single submitter. Criteria: Ambry Variant Classification Scheme 2023. Collection method: clinical testing. Allele origin: germline.
Comment: The c.2472delT pathogenic mutation, located in coding exon 14 of the CFTR gene, results from a deletion of one nucleotide at nucleotide position 2472, causing a translational frameshift with a predicted alternate stop codon (p.N825Tfs*5). This alteration is expected to result in loss of function by premature protein truncation or nonsense-mediated mRNA decay. As such, this alteration is interpreted as a disease-causing mutation.

ClinVar Staff, National Center for Biotechnology Information (NCBI)
No classification provided. Condition: CFTR-related disorders. Review status: no classification provided. Collection method: literature only. Allele origin: germline. Affected: yes. Not counted in ClinVar's aggregate classification.

Literature cited by the submitters: PubMed 7687986 (cited by Natera, Inc. and Labcorp Genetics (formerly Invitae), Labcorp); PubMed 1695717 (cited by Labcorp Genetics (formerly Invitae), Labcorp); PubMed 7691345 (cited by Labcorp Genetics (formerly Invitae), Labcorp); PubMed 9725922 (cited by Labcorp Genetics (formerly Invitae), Labcorp); PubMed 17331079 (cited by Ambry Genetics and ClinVar Staff, National Center for Biotechnology Information (NCBI)).

NM_000492.4(CFTR):c.2472del (p.Asn825fs)

Gene: CFTR (CF transmembrane conductance regulator; plus strand). Cytogenetic location: 7q31.2.
Variant type: Deletion.
Coding change: c.2472del on transcript NM_000492.4 (MANE Select); coding-DNA position 2472, one base deleted (T; older notation c.2472delT).
Protein change: p.Asn825fs; shifts the reading frame from asparagine 825.
Molecular consequence: frameshift variant.
Genome position (GRCh38, 1-based): chr7:117,592,639, T deleted; the last of 2 consecutive T bases (chr7:117,592,638-117,592,639); deleting either gives the same sequence. VCF-style (leftmost placement, unchanged base first): chr7-117592637-AT-A. GRCh37 (hg19) VCF-style: chr7-117232691-AT-A.
Other names: c.2472delT (NM_000492.3); c.2472del (NM_000492.3); short protein forms N825fs.
Identifiers: ClinVar variation 53494 (VCV000053494.17), dbSNP rs397508380, ClinGen allele CA326823.